The following is an entry in ClinVar:

ClinVar aggregate classification (germline): Benign/Likely benign. Review status: criteria provided, multiple submitters, no conflicts (2 of 4 stars). 8 submissions from 8 submitters: Benign (1); Likely benign (6). 1 of the submissions does not count toward it. Last evaluated 2026-03-01.

Conditions:
Lynch syndrome 5 (LYNCH5). Also called: Hereditary non-polyposis colorectal cancer, type 5; Colorectal cancer, hereditary nonpolyposis, type 5. Identifiers: Orphanet 144, MedGen C1833477, MONDO:0013710, OMIM 614350. Disease mechanism: loss of function.
Hereditary nonpolyposis colorectal neoplasms. Identifiers: MedGen C0009405, MeSH D003123.
Hereditary cancer-predisposing syndrome. Also called: Hereditary neoplastic syndrome; Neoplastic Syndromes, Hereditary; Hereditary Cancer Syndrome; Tumor predisposition. Identifiers: Orphanet 140162, MedGen C0027672, MeSH D009386, MONDO:0015356.
Malignant tumor of breast. Also called: Malignant breast neoplasm; Cancer breast. Identifiers: MedGen C0006142, MONDO:0007254. Disease mechanism: loss of function.

Allele frequency attached by ClinVar (database versions not stated): gnomAD exomes below 0.00001; ExAC 0.00001; gnomAD 0.00001; TOPMed 0.00002.

Submissions (8):

CeGaT Center for Human Genetics Tuebingen
Classification: Likely benign. Last evaluated: 2026-03-01. Review status: criteria provided, single submitter. Criteria: CeGaT Center For Human Genetics Tuebingen Variant Classification Criteria Version 2. Collection method: clinical testing. Allele origin: germline. Affected: yes. Observed: 1 variant allele.
Comment: MSH6: BP4, BP7

Quest Diagnostics Nichols Institute San Juan Capistrano
Classification: Likely benign. Last evaluated: 2025-08-29. Review status: criteria provided, single submitter. Criteria: Quest Diagnostics criteria. Collection method: clinical testing. Allele origin: unknown.

Labcorp Genetics (formerly Invitae), Labcorp
Classification: Likely benign for Hereditary nonpolyposis colorectal neoplasms. Last evaluated: 2025-04-08. Review status: criteria provided, single submitter. Criteria: Invitae Variant Classification Sherloc (09022015). Collection method: clinical testing. Allele origin: germline.

Center for Genomic Medicine, Rigshospitalet, Copenhagen University Hospital
Classification: Likely benign. Last evaluated: 2025-03-04. Review status: criteria provided, single submitter. Criteria: ACMG Guidelines, 2015. Collection method: clinical testing. Allele origin: germline.

Myriad Genetics, Inc.
Classification: Benign for Lynch syndrome 5. Last evaluated: 2025-01-08. Review status: criteria provided, single submitter. Criteria: Myriad Autosomal Dominant, Autosomal Recessive and X-Linked Classification Criteria (2023). Collection method: clinical testing. Allele origin: unknown.
Comment: This variant is considered benign. This variant is a silent/synonymous amino acid change and it is not expected to impact splicing.

Ambry Genetics
Classification: Likely benign for Hereditary cancer-predisposing syndrome. Last evaluated: 2020-12-01. Review status: criteria provided, single submitter. Criteria: Ambry Variant Classification Scheme 2023. Collection method: clinical testing. Allele origin: germline.

Color Diagnostics, LLC DBA Color Health
Classification: Likely benign for Hereditary cancer-predisposing syndrome. Last evaluated: 2017-08-26. Review status: criteria provided, single submitter. Criteria: ACMG Guidelines, 2015. Collection method: clinical testing. Allele origin: germline.

Department of Pathology and Laboratory Medicine, Sinai Health System
Classification: Likely benign for Malignant tumor of breast. Review status: no assertion criteria provided. Collection method: clinical testing. Allele origin: unknown. Affected: yes. Observed: 1 variant allele. Study: The Canadian Open Genetics Repository (COGR). Not counted in ClinVar's aggregate classification.
Comment: The MSH6 p.Ala1293= variant was not identified in the literature nor was it identified in the GeneInsight-COGR, Clinvitae, Cosmic, MutDB, UMD-LSDB, Zhejiang Colon Cancer Database, Mismatch Repair Genes Variant Database, MMR Gene Unclassified Variants Database, or the Insight Hereditary Tumors Database. The variant was identified in dbSNP (ID: rs752369374), as well as in ClinVar (classified as likely benign by Color Genomics). The variant was identified in control databases in 1 of 245704 chromosomes at a frequency of 0.000004 (Genome Aggregation Database Feb 27, 2017). Breakdown of the observations by population include European in 1 of 111306 chromosomes (freq: 0.00001), while the variant was not observed in the African, Other, Latino, Ashkenazi Jewish, East Asian, Finnish, or South Asian populations. The p.Ala1293= variant is not expected to have clinical significance because it does not result in a change of amino acid and is not located in a known consensus splice site. However, 1 of 5 in silico or computational prediction software programs (SpliceSiteFinder, MaxEntScan, NNSPLICE, GeneSplicer, HumanSpliceFinder) predict a greater than 10% difference in splicing; this is not very predictive of pathogenicity. In summary, based on the above information the clinical significance of this variant cannot be determined with certainty at this time although we would lean towards a more benign role for this variant. This variant is classified as likely benign.

NM_000179.3(MSH6):c.3879T>C (p.Ala1293=)

Gene: MSH6 (mutS homolog 6; plus strand). Cytogenetic location: 2p16.3.
Variant type: single nucleotide variant.
Coding change: c.3879T>C on transcript NM_000179.3 (MANE Select); coding-DNA position 3879, T replaced by C.
Protein change: p.Ala1293=; no amino-acid change (alanine 1293 retained).
Molecular consequence: synonymous variant.
Genome position (GRCh38, 1-based): chr2:47,806,529, T>C. VCF-style: chr2-47806529-T-C. GRCh37 (hg19) VCF-style: chr2-48033668-T-C.
Other names: c.3489T>C, p.Ala1163= (NM_001281492.2); c.2973T>C, p.Ala991= (NM_001281493.2, NM_001281494.2).
Identifiers: ClinVar variation 491968 (VCV000491968.25), dbSNP rs752369374, ClinGen allele CA072251.